The following is an entry in ClinVar:

ClinVar aggregate classification (germline): Uncertain significance (1 of 4 stars; one submission).

Submission:

Labcorp Genetics (formerly Invitae), Labcorp
Classification: Uncertain significance. Last evaluated: 2024-03-14. Review status: criteria provided, single submitter. Criteria: Invitae Variant Classification Sherloc (09022015). Collection method: clinical testing. Allele origin: germline.
Comment: This sequence change creates a premature translational stop signal (p.Ser675*) in the MAMDC2 gene. While this is not anticipated to result in nonsense mediated decay, it is expected to disrupt the last 12 amino acid(s) of the MAMDC2 protein. This variant is not present in population databases (gnomAD no frequency). This variant has not been reported in the literature in individuals affected with MAMDC2-related conditions. In summary, the available evidence is currently insufficient to determine the role of this variant in disease. Therefore, it has been classified as a Variant of Uncertain Significance.

NM_153267.5(MAMDC2):c.2024C>G (p.Ser675Ter)

Genes: MAMDC2 (MAM domain containing 2; plus strand), SMC5-DT (SMC5 divergent transcript; minus strand). Cytogenetic location: 9q21.12.
Variant type: single nucleotide variant.
Coding change: c.2024C>G on transcript NM_153267.5 (MANE Select); coding-DNA position 2024, C replaced by G.
Protein change: p.Ser675Ter; replaces serine 675 with a stop codon.
Molecular consequence: nonsense. On other transcripts: non-coding transcript variant (1).
Genome position (GRCh38, 1-based): chr9:70,225,995, C>G. VCF-style: chr9-70225995-C-G. GRCh37 (hg19) VCF-style: chr9-72840911-C-G.
Other names: short protein forms S675*.
Identifiers: ClinVar variation 3671595 (VCV003671595.2).